The following is an entry in ClinVar:

NM_182931.3(KMT2E):c.1630G>T (p.Asp544Tyr)

Gene: KMT2E (lysine methyltransferase 2E (inactive); plus strand). Cytogenetic location: 7q22.3.
Variant type: single nucleotide variant.
Coding change: c.1630G>T on transcript NM_182931.3 (MANE Select); coding-DNA position 1630, G replaced by T.
Protein change: p.Asp544Tyr; replaces aspartic acid 544 with tyrosine.
Molecular consequence: missense variant.
Genome position (GRCh38, 1-based): chr7:105,091,222, G>T. VCF-style: chr7-105091222-G-T. GRCh37 (hg19) VCF-style: chr7-104731669-G-T.
Other names: c.1630G>T, p.Asp544Tyr (NM_001410908.1, NM_018682.4); short protein forms D544Y.
Identifiers: ClinVar variation 2216500 (VCV002216500.3), dbSNP rs1233254753, ClinGen allele CA368782746.
Genomic context (GRCh38, chr7:105,091,222, plus strand): 5'-TAGTTGTATAGATGGAATAATAGTTTGTATAAAGAAGTCATTTCCATTTTTCAGGAACCA[G>T]ATTTTATTGATGATATAGAAGAAAAAACTCCTATTAGTAATGAAGTAGAAATGGAATCAG-3'
Protein context (NP_891847.1, residues 534-554): RLSVSNNQEP[Asp544Tyr]FIDDIEEKTP

ClinVar aggregate classification (germline): Uncertain significance (1 of 4 stars; one submission).

Conditions:
Inborn genetic diseases. Identifiers: MedGen C0950123, MeSH D030342.

Allele frequency attached by ClinVar (database versions not stated): gnomAD exomes below 0.00001.
gnomAD v4.1: 2 of 1,492,350 alleles (0.00013%); highest among the groups gnomAD compares: Admixed American, 0.0035%; no homozygotes.

Submission:

Ambry Genetics
Classification: Uncertain significance for Inborn genetic diseases. Last evaluated: 2026-04-28. Review status: criteria provided, single submitter. Criteria: Ambry Variant Classification Scheme 2023. Collection method: clinical testing. Allele origin: germline.
Comment: The c.1630G>T (p.D544Y) alteration is located in exon 15 (coding exon 13) of the KMT2E gene. This alteration results from a G to T substitution at nucleotide position 1630, causing the aspartic acid (D) at amino acid position 544 to be replaced by a tyrosine (Y). Based on data from gnomAD, the T allele has an overall frequency of 0.001% (2/244836) total alleles studied. The highest observed frequency was 0.006% (2/32860) of Latino alleles. This amino acid position is not well conserved in available vertebrate species. This alteration is predicted to be deleterious by in silico analysis. Based on insufficient or conflicting evidence, the clinical significance of this alteration remains unclear.